The following is an entry in ClinVar:

NM_004999.4(MYO6):c.2733T>C (p.Ser911=)

Gene: MYO6 (myosin VI; plus strand). Cytogenetic location: 6q14.1.
Variant type: single nucleotide variant.
Coding change: c.2733T>C on transcript NM_004999.4 (MANE Select); coding-DNA position 2733, T replaced by C.
Protein change: p.Ser911=; no amino-acid change (serine 911 retained).
Molecular consequence: synonymous variant. On other transcripts: non-coding transcript variant (1).
Genome position (GRCh38, 1-based): chr6:75,890,131, T>C. VCF-style: chr6-75890131-T-C. GRCh37 (hg19) VCF-style: chr6-76599848-T-C.
Other names: c.2733T>C, p.Ser911= (NM_001300899.2, NM_001368136.1, NM_001368137.1 and 2 more transcripts); c.2718T>C, p.Ser906= (NM_001368138.1).
Identifiers: ClinVar variation 505405 (VCV000505405.4), dbSNP rs1554218577, ClinGen allele CA450941628.

ClinVar aggregate classification (germline): Likely benign (1 of 4 stars; one submission).

Submission:

Laboratory for Molecular Medicine, Mass General Brigham Personalized Medicine
Classification: Likely benign. Last evaluated: 2016-11-15. Review status: criteria provided, single submitter. Criteria: LMM Criteria. Collection method: clinical testing. Allele origin: germline. Observed: 1 variant allele.
Comment: p.Ser911Ser in exon 26 of MYO6: This variant is not expected to have clinical si gnificance because it does not alter an amino acid residue and is not located wi thin the splice consensus sequence.